The following is an entry in ClinVar:

NM_024306.5(FA2H):c.1030C>G (p.Gln344Glu)

Gene: FA2H (fatty acid 2-hydroxylase; minus strand). Cytogenetic location: 16q23.1.
Variant type: single nucleotide variant.
Coding change: c.1030C>G on transcript NM_024306.5 (MANE Select); coding-DNA position 1030, C replaced by G.
Protein change: p.Gln344Glu; replaces glutamine 344 with glutamic acid.
Molecular consequence: missense variant.
Genome position (GRCh38, 1-based): chr16:74,716,356, G>C on the plus strand (C>G on the coding strand, the complement: FA2H is on the minus strand). VCF-style: chr16-74716356-G-C. GRCh37 (hg19) VCF-style: chr16-74750254-G-C.
Other names: p.Gln344Glu; short protein forms Q344E.
Identifiers: ClinVar variation 320494 (VCV000320494.30), dbSNP rs748697810, ClinGen allele CA8170331.

ClinVar aggregate classification (germline): Uncertain significance. Review status: criteria provided, multiple submitters, no conflicts (2 of 4 stars). 5 submissions from 5 submitters: Uncertain significance (5). Last evaluated 2025-02-01.

Conditions:
Inborn genetic diseases. Identifiers: MedGen C0950123, MeSH D030342.
Spastic paraplegia. Identifiers: MedGen C0037772, HP:0001258.
Hereditary spastic paraplegia 35. Also called: SPASTIC PARAPLEGIA 35, AUTOSOMAL RECESSIVE, WITH OR WITHOUT NEURODEGENERATION; LEUKODYSTROPHY, DYSMYELINATING, AND SPASTIC PARAPARESIS WITH OR WITHOUT DYSTONIA; Spastic paraplegia 35, autosomal recessive; Spastic paraplegia 35. Identifiers: Orphanet 171629, MedGen C3496228, MONDO:0012866, OMIM 612319.

Allele frequency attached by ClinVar (database versions not stated): gnomAD exomes 0.00004 and 0.00006; TOPMed 0.00004; ExAC 0.00001; gnomAD 0.00004.
gnomAD v4.1: 95 of 1,613,766 alleles (0.0059%); highest among the groups gnomAD compares: Non-Finnish European, 0.0078%; no homozygotes.

Submissions (5):

Ambry Genetics
Classification: Uncertain significance for Inborn genetic diseases. Last evaluated: 2025-02-01. Review status: criteria provided, single submitter. Criteria: Ambry Variant Classification Scheme 2023. Collection method: clinical testing. Allele origin: germline.

CeGaT Center for Human Genetics Tuebingen
Classification: Uncertain significance. Last evaluated: 2024-04-01. Review status: criteria provided, single submitter. Criteria: CeGaT Center For Human Genetics Tuebingen Variant Classification Criteria Version 2. Collection method: clinical testing. Allele origin: germline. Affected: yes. Observed: 1 variant allele.
Comment: FA2H: PM2

Labcorp Genetics (formerly Invitae), Labcorp
Classification: Uncertain significance for Spastic paraplegia. Last evaluated: 2023-08-30. Review status: criteria provided, single submitter. Criteria: Invitae Variant Classification Sherloc (09022015). Collection method: clinical testing. Allele origin: germline.
Comment: In summary, the available evidence is currently insufficient to determine the role of this variant in disease. Therefore, it has been classified as a Variant of Uncertain Significance. Advanced modeling of protein sequence and biophysical properties (such as structural, functional, and spatial information, amino acid conservation, physicochemical variation, residue mobility, and thermodynamic stability) performed at Invitae indicates that this missense variant is not expected to disrupt FA2H protein function. ClinVar contains an entry for this variant (Variation ID: 320494). This variant has not been reported in the literature in individuals affected with FA2H-related conditions. This variant is present in population databases (rs748697810, gnomAD 0.009%). This sequence change replaces glutamine, which is neutral and polar, with glutamic acid, which is acidic and polar, at codon 344 of the FA2H protein (p.Gln344Glu).

Mayo Clinic Laboratories, Mayo Clinic
Classification: Uncertain significance. Last evaluated: 2022-04-12. Review status: criteria provided, single submitter. Criteria: ACMG Guidelines, 2015. Collection method: clinical testing. Allele origin: germline. Observed: 1 variant allele.

Illumina Laboratory Services, Illumina
Classification: Uncertain significance for Hereditary spastic paraplegia 35. Last evaluated: 2018-01-13. Review status: criteria provided, single submitter. Criteria: ICSL Variant Classification Criteria 13 December 2019. Collection method: clinical testing. Allele origin: germline.